The following is an entry in ClinVar:

NM_007347.5(AP4E1):c.2193T>C (p.Pro731=)

Gene: AP4E1 (adaptor related protein complex 4 subunit epsilon 1; plus strand). Cytogenetic location: 15q21.2.
Variant type: single nucleotide variant.
Coding change: c.2193T>C on transcript NM_007347.5 (MANE Select); coding-DNA position 2193, T replaced by C.
Protein change: p.Pro731=; no amino-acid change (proline 731 retained).
Molecular consequence: synonymous variant.
Genome position (GRCh38, 1-based): chr15:50,993,472, T>C. VCF-style: chr15-50993472-T-C. GRCh37 (hg19) VCF-style: chr15-51285669-T-C.
Other names: c.1968T>C, p.Pro656= (NM_001252127.2); c.2193T>C (NM_007347.4).
Identifiers: ClinVar variation 1079523 (VCV001079523.13), dbSNP rs201935060, ClinGen allele CA7559268.

ClinVar aggregate classification (germline): Likely benign. Review status: criteria provided, multiple submitters, no conflicts (2 of 4 stars). 4 submissions from 4 submitters: Likely benign (3). 1 of the submissions does not count toward it. Last evaluated 2025-09-11.

Conditions:
AP4E1-related disorder. Also called: AP4E1-related condition.
Spastic paraplegia. Identifiers: MedGen C0037772, HP:0001258.

Allele frequency attached by ClinVar (database versions not stated): TOPMed 0.00001; gnomAD 0.00002; ExAC 0.00003; gnomAD exomes 0.00003 and 0.00004; 1000 Genomes Project 30x 0.00016; 1000 Genomes Project 0.00020.
gnomAD v4.1: 55 of 1,614,012 alleles (0.0034%); highest among the groups gnomAD compares: African/African-American, 0.027%; 1 homozygote.

Submissions (4):

Labcorp Genetics (formerly Invitae), Labcorp
Classification: Likely benign for Spastic paraplegia. Last evaluated: 2025-09-11. Review status: criteria provided, single submitter. Criteria: Invitae Variant Classification Sherloc (09022015). Collection method: clinical testing. Allele origin: germline.

Blueprint Genetics
Classification: Likely benign. Last evaluated: 2024-11-11. Review status: criteria provided, single submitter. Criteria: ACMG Guidelines, 2015. Collection method: clinical testing. Allele origin: germline.

Breakthrough Genomics
Classification: Likely benign. Review status: criteria provided, single submitter. Criteria: ACMG Guidelines, 2015. Collection method: not provided. Allele origin: germline. Inheritance: Autosomal recessive inheritance. Affected: yes.

PreventionGenetics, part of Exact Sciences
Classification: Likely benign for AP4E1-related condition. Last evaluated: 2019-09-04. Review status: no assertion criteria provided. Collection method: clinical testing. Allele origin: germline. Not counted in ClinVar's aggregate classification.
Comment: This variant is classified as likely benign based on ACMG/AMP sequence variant interpretation guidelines (Richards et al. 2015 PMID: 25741868, with internal and published modifications).